The following is an entry in ClinVar:

ClinVar aggregate classification (germline): Pathogenic. Review status: criteria provided, multiple submitters, no conflicts (2 of 4 stars). 6 submissions from 6 submitters: Pathogenic (6). Last evaluated 2026-08-31.

Conditions:
COL2A1-related disorder. Also called: COL2A1-related condition; COL2A1-related disorders.
Achondrogenesis type II (ACG2). Also called: ACHONDROGENESIS, LANGER-SALDINO TYPE; CHONDROGENESIS IMPERFECTA. Identifiers: Orphanet 932, Orphanet 93296, MedGen C0220685, MONDO:0008702, OMIM 200610.
Stickler syndrome type 1 (STL1). Also called: COL2A1-Related Stickler Syndrome; STICKLER SYNDROME, MEMBRANOUS VITREOUS TYPE; STICKLER SYNDROME, VITREOUS TYPE 1; ARTHROOPHTHALMOPATHY, HEREDITARY PROGRESSIVE. Identifiers: Orphanet 828, Orphanet 90653, MedGen C2020284, MONDO:0007160, OMIM 108300.

Submissions (6):

GeneDx
Classification: Pathogenic. Last evaluated: 2026-08-31. Review status: criteria provided, single submitter. Criteria: GeneDx Variant Classification Process June 2021. Collection method: clinical testing. Allele origin: germline.
Comment: Observed in two individuals from the same family with Sticker syndrome and a membranous vitreous phenotype in published literature (PMID: 20513134); Frameshift variant predicted to result in protein truncation or nonsense mediated decay in a gene for which loss of function is a known mechanism of disease; Not observed at significant frequency in large population cohorts (gnomAD); This variant is associated with the following publications: (PMID: 35567543, 20513134)

3billion
Classification: Pathogenic for COL2A1-related disorder. Last evaluated: 2024-07-04. Review status: criteria provided, single submitter. Criteria: ACMG Guidelines, 2015. Collection method: clinical testing. Allele origin: germline. Affected: yes.
Comment: The variant is not observed in the gnomAD v4.0.0 dataset. Predicted Consequence/Location: Frameshift: predicted to result in a loss or disruption of normal protein function through nonsense-mediated decay (NMD) or protein truncation. Multiple pathogenic variants are reported downstream of the variant. The variant has been reported at least twice as pathogenic with clinical assertions and evidence for the classification (ClinVar ID: VCV000431967 /PMID: 20513134). Therefore, this variant is classified as Pathogenic according to the recommendation of ACMG/AMP guideline.

Labcorp Genetics (formerly Invitae), Labcorp
Classification: Pathogenic. Last evaluated: 2023-09-29. Review status: criteria provided, single submitter. Criteria: Invitae Variant Classification Sherloc (09022015). Collection method: clinical testing. Allele origin: germline.
Comment: For these reasons, this variant has been classified as Pathogenic. ClinVar contains an entry for this variant (Variation ID: 431967). This premature translational stop signal has been observed in individual(s) with Stickler syndrome (PMID: 20513134). This variant is not present in population databases (gnomAD no frequency). This sequence change creates a premature translational stop signal (p.Gly939Alafs*89) in the COL2A1 gene. It is expected to result in an absent or disrupted protein product. Loss-of-function variants in COL2A1 are known to be pathogenic (PMID: 20179744).

Women's Health and Genetics/Laboratory Corporation of America, LabCorp
Classification: Pathogenic for Achondrogenesis type II. Last evaluated: 2023-08-29. Review status: criteria provided, single submitter. Criteria: LabCorp Variant Classification Summary - May 2015. Collection method: clinical testing. Allele origin: germline.
Comment: Variant summary: COL2A1 c.2814delT (p.Gly939AlafsX89) results in a premature termination codon, predicted to cause absence of the protein due to nonsense mediated decay, a commonly known mechanism for disease. The variant was absent in 249274 control chromosomes (gnomAD). c.2814delT has been reported in the literature in at least two individuals from the same family who were both affected with Stickler syndrome (e.g. Richards_2010). These data indicate that the variant is likely to be associated with disease. To our knowledge, no experimental evidence demonstrating an impact on protein function has been reported. The following publication has been ascertained in the context of this evaluation (PMID: 20513134). Three submitters have cited clinical-significance assessments for this variant to ClinVar after 2014 and all classified the variant as pathogenic. Based on the evidence outlined above, the variant was classified as pathogenic.

Illumina Laboratory Services, Illumina
Classification: Pathogenic for Stickler syndrome type 1. Last evaluated: 2021-11-30. Review status: criteria provided, single submitter. Criteria: ICSLVariantClassificationCriteria RUGD 01 April 2020. Collection method: clinical testing. Allele origin: unknown.
Comment: The COL2A1 c.2814delT p.(Gly939AlafsTer89) variant causes a shift in the protein reading frame that is predicted to result in premature termination of the protein. Loss of normal protein function through either protein truncation or nonsense-mediated mRNA decay is expected. This variant has been identified in one family with a phenotype consistent with Stickler syndrome (Richards et al. 2010). This variant is not observed in version 2.1.1 or version 3.1.2 of the Genome Aggregation Database. Based on the available evidence, the c.2814delT p.(Gly939AlafsTer89) variant is classified as pathogenic for Stickler syndrome.

Revvity Omics, Revvity
Classification: Pathogenic. Last evaluated: 2021-10-15. Review status: criteria provided, single submitter. Criteria: ACMG Guidelines, 2015. Collection method: clinical testing. Allele origin: germline.

Literature cited by the submitters: PubMed 20513134 (cited by 3 submitters); PubMed 20179744 (cited by Labcorp Genetics (formerly Invitae), Labcorp).

NM_001844.5(COL2A1):c.2814del (p.Gly939fs)

Gene: COL2A1 (collagen type II alpha 1 chain; minus strand). Cytogenetic location: 12q13.11.
Variant type: Deletion.
Coding change: c.2814del on transcript NM_001844.5 (MANE Select); coding-DNA position 2814, one base deleted (T; older notation c.2814delT).
Protein change: p.Gly939fs; shifts the reading frame from glycine 939.
Molecular consequence: frameshift variant.
Genome position (GRCh38, 1-based): chr12:47,978,678, A deleted on the plus strand (T on the coding strand, the reverse complement: COL2A1 is on the minus strand). VCF-style (leftmost placement, unchanged base first): chr12-47978677-CA-C. GRCh37 (hg19) VCF-style: chr12-48372460-CA-C.
Other names: c.2814delT (NM_001844.4); c.2607del, p.Gly870fs (NM_033150.3); short protein forms G939fs, G870fs.
Identifiers: ClinVar variation 431967 (VCV000431967.17), dbSNP rs1555165494, ClinGen allele CA645372910.
Genomic context (GRCh38, chr12:47,978,677, plus strand): 5'-GCTCTCCCTTCTCGCCAGGGGGTCCAGCAGGACCTTGGAGGCCGGGTTCACCAGCTCGGC[CA>C]GGGGGGCCGCTGTCTCCTCGAGCACCTTTGGGACCATCTTTTCCAGAAGGACCAGGGGGA-3'